The following is an entry in ClinVar:

ClinVar aggregate classification (germline): Uncertain significance (1 of 4 stars; one submission).

Submission:

Labcorp Genetics (formerly Invitae), Labcorp
Classification: Uncertain significance. Last evaluated: 2022-07-21. Review status: criteria provided, single submitter. Criteria: Invitae Variant Classification Sherloc (09022015). Collection method: clinical testing. Allele origin: germline.
Comment: In summary, the available evidence is currently insufficient to determine the role of this variant in disease. Therefore, it has been classified as a Variant of Uncertain Significance. Experimental studies and prediction algorithms are not available or were not evaluated, and the functional significance of this variant is currently unknown. This variant has not been reported in the literature in individuals affected with IGSF10-related conditions. This variant is not present in population databases (gnomAD no frequency). This sequence change creates a premature translational stop signal (p.Glu2448*) in the IGSF10 gene. While this is not anticipated to result in nonsense mediated decay, it is expected to disrupt the last 176 amino acid(s) of the IGSF10 protein.

NM_178822.5(IGSF10):c.7342G>T (p.Glu2448Ter)

Gene: IGSF10 (immunoglobulin superfamily member 10; minus strand). Cytogenetic location: 3q25.1.
Variant type: single nucleotide variant.
Coding change: c.7342G>T on transcript NM_178822.5 (MANE Select); coding-DNA position 7342, G replaced by T.
Protein change: p.Glu2448Ter; replaces glutamic acid 2448 with a stop codon.
Molecular consequence: nonsense.
Genome position (GRCh38, 1-based): chr3:151,437,219, C>A on the plus strand (G>T on the coding strand, the complement: IGSF10 is on the minus strand). VCF-style: chr3-151437219-C-A. GRCh37 (hg19) VCF-style: chr3-151155007-C-A.
Other names: c.1279G>T, p.Glu427Ter (NM_001178145.3, NM_001178146.3); c.7342G>T, p.Glu2448Ter (NM_001385060.1, NM_001385062.1, NM_001385063.1 and 1 more transcripts); short protein forms E427*, E2448*.
Identifiers: ClinVar variation 2018616 (VCV002018616.4), dbSNP rs2474432951, ClinGen allele CA354986519.